The following is an entry in ClinVar:

NM_207111.4(RNF216):c.589C>G (p.Gln197Glu)

Gene: RNF216 (ring finger protein 216; minus strand). Cytogenetic location: 7p22.1.
Variant type: single nucleotide variant.
Coding change: c.589C>G on transcript NM_207111.4 (MANE Select); coding-DNA position 589, C replaced by G.
Protein change: p.Gln197Glu; replaces glutamine 197 with glutamic acid.
Molecular consequence: missense variant.
Genome position (GRCh38, 1-based): chr7:5,741,428, G>C on the plus strand (C>G on the coding strand, the complement: RNF216 is on the minus strand). VCF-style: chr7-5741428-G-C. GRCh37 (hg19) VCF-style: chr7-5781059-G-C.
Other names: c.418C>G, p.Gln140Glu (NM_001377156.1, NM_207116.3); short protein forms Q140E, Q197E.
Identifiers: ClinVar variation 1348184 (VCV001348184.8), dbSNP rs377486255, ClinGen allele CA4148506.

ClinVar aggregate classification (germline): Uncertain significance (1 of 4 stars; one submission).

Allele frequency attached by ClinVar (database versions not stated): gnomAD exomes 0.00001 and 0.00004; ExAC 0.00004; gnomAD 0.00010 and 0.00011; ESP Exome Variant Server 0.00015; 1000 Genomes Project 30x 0.00016; TOPMed 0.00016; 1000 Genomes Project 0.00020.
gnomAD v4.1: 39 of 1,614,198 alleles (0.0024%); highest among the groups gnomAD compares: African/African-American, 0.043%; no homozygotes.

Submission:

Labcorp Genetics (formerly Invitae), Labcorp
Classification: Uncertain significance. Last evaluated: 2023-05-15. Review status: criteria provided, single submitter. Criteria: Invitae Variant Classification Sherloc (09022015). Collection method: clinical testing. Allele origin: germline.
Comment: In summary, the available evidence is currently insufficient to determine the role of this variant in disease. Therefore, it has been classified as a Variant of Uncertain Significance. Algorithms developed to predict the effect of missense changes on protein structure and function output the following: SIFT: "Not Available"; PolyPhen-2: "Benign"; Align-GVGD: "Not Available". The glutamic acid amino acid residue is found in multiple mammalian species, which suggests that this missense change does not adversely affect protein function. ClinVar contains an entry for this variant (Variation ID: 1348184). This variant has not been reported in the literature in individuals affected with RNF216-related conditions. This variant is present in population databases (rs377486255, gnomAD 0.05%). This sequence change replaces glutamine, which is neutral and polar, with glutamic acid, which is acidic and polar, at codon 197 of the RNF216 protein (p.Gln197Glu).